The following is an entry in ClinVar:

ClinVar aggregate classification (germline): Uncertain significance (1 of 4 stars; one submission).

Allele frequency attached by ClinVar (database versions not stated): gnomAD exomes 0.00001.
gnomAD v4.1: 10 of 1,613,782 alleles (0.00062%); highest among the groups gnomAD compares: South Asian, 0.0099%; no homozygotes.

Submission:

Women's Health and Genetics/Laboratory Corporation of America, LabCorp
Classification: Uncertain significance. Last evaluated: 2025-02-06. Review status: criteria provided, single submitter. Criteria: LabCorp Variant Classification Summary - May 2015. Collection method: clinical testing. Allele origin: germline.
Comment: Variant summary: ZNF292 c.1424A>G (p.Asp475Gly) results in a non-conservative amino acid change in the encoded protein sequence. Four of five in-silico tools predict a damaging effect of the variant on protein function. The variant allele was found at a frequency of 1.2e-05 in 248344 control chromosomes. The available data on variant occurrences in the general population are insufficient to allow any conclusion about variant significance. To our knowledge, no occurrence of c.1424A>G in individuals affected with Autosomal Dominant Intellectual Developmental Disorder 64 and no experimental evidence demonstrating its impact on protein function have been reported. ClinVar contains an entry for this variant (Variation ID: 2577111). Based on the evidence outlined above, the variant was classified as uncertain significance.

NM_015021.3(ZNF292):c.1424A>G (p.Asp475Gly)

Gene: ZNF292 (zinc finger protein 292; plus strand). Cytogenetic location: 6q14.3.
Variant type: single nucleotide variant.
Coding change: c.1424A>G on transcript NM_015021.3 (MANE Select); coding-DNA position 1424, A replaced by G.
Protein change: p.Asp475Gly; replaces aspartic acid 475 with glycine.
Molecular consequence: missense variant.
Genome position (GRCh38, 1-based): chr6:87,255,053, A>G. VCF-style: chr6-87255053-A-G. GRCh37 (hg19) VCF-style: chr6-87964771-A-G.
Other names: c.1004A>G, p.Asp335Gly (NM_001351444.2); short protein forms D335G, D475G.
Identifiers: ClinVar variation 2577111 (VCV002577111.2), dbSNP rs1457087238, ClinGen allele CA364909028.